The following is an entry in ClinVar:

NM_001206927.2(DNAH8):c.13967C>T (p.Ser4656Phe)

Gene: DNAH8 (dynein axonemal heavy chain 8; plus strand). Cytogenetic location: 6p21.2.
Variant type: single nucleotide variant.
Coding change: c.13967C>T on transcript NM_001206927.2 (MANE Select); coding-DNA position 13967, C replaced by T.
Protein change: p.Ser4656Phe; replaces serine 4656 with phenylalanine.
Molecular consequence: missense variant.
Genome position (GRCh38, 1-based): chr6:39,030,235, C>T. VCF-style: chr6-39030235-C-T. GRCh37 (hg19) VCF-style: chr6-38998011-C-T.
Other names: c.13316C>T, p.Ser4439Phe (NM_001371.4); short protein forms S4439F, S4656F.
Identifiers: ClinVar variation 4745785 (VCV004745785.1).

ClinVar aggregate classification (germline): Uncertain significance (1 of 4 stars; one submission).

Conditions:
Primary ciliary dyskinesia. Also called: Ciliary dyskinesia. Identifiers: Orphanet 244, MedGen C0008780, MONDO:0016575, HP:0012265.

Submission:

Labcorp Genetics (formerly Invitae), Labcorp
Classification: Uncertain significance for Primary ciliary dyskinesia. Last evaluated: 2025-12-11. Review status: criteria provided, single submitter. Criteria: Invitae Variant Classification Sherloc (09022015). Collection method: clinical testing. Allele origin: germline.
Comment: This sequence change replaces serine, which is neutral and polar, with phenylalanine, which is neutral and non-polar, at codon 4656 of the DNAH8 protein (p.Ser4656Phe). This variant is not present in population databases (gnomAD no frequency). This variant has not been reported in the literature in individuals affected with DNAH8-related conditions. Invitae Evidence Modeling of protein sequence and biophysical properties (such as structural, functional, and spatial information, amino acid conservation, physicochemical variation, residue mobility, and thermodynamic stability) indicates that this missense variant is not expected to disrupt DNAH8 protein function with a negative predictive value of 80%. In summary, the available evidence is currently insufficient to determine the role of this variant in disease. Therefore, it has been classified as a Variant of Uncertain Significance.